The following is an entry in ClinVar:

ClinVar aggregate classification (germline): Uncertain significance (1 of 4 stars; one submission).

Conditions:
Inborn genetic diseases. Identifiers: MedGen C0950123, MeSH D030342.

Submission:

Ambry Genetics
Classification: Uncertain significance for Inborn genetic diseases. Last evaluated: 2025-04-18. Review status: criteria provided, single submitter. Criteria: Ambry Variant Classification Scheme 2023. Collection method: clinical testing. Allele origin: germline.
Comment: The p.Q211H variant (also known as c.633A>C), located in coding exon 6 of the CEP57 gene, results from an A to C substitution at nucleotide position 633. The glutamine at codon 211 is replaced by histidine, an amino acid with highly similar properties. This amino acid position is conserved. In addition, this alteration is predicted to be tolerated by in silico analysis. Based on the available evidence, the clinical significance of this variant remains unclear.

NM_014679.5(CEP57):c.633A>C (p.Gln211His)

Gene: CEP57 (centrosomal protein 57; plus strand). Cytogenetic location: 11q21.
Variant type: single nucleotide variant.
Coding change: c.633A>C on transcript NM_014679.5 (MANE Select); coding-DNA position 633, A replaced by C.
Protein change: p.Gln211His; replaces glutamine 211 with histidine.
Molecular consequence: missense variant.
Genome position (GRCh38, 1-based): chr11:95,818,838, A>C. VCF-style: chr11-95818838-A-C. GRCh37 (hg19) VCF-style: chr11-95552002-A-C.
Other names: c.606A>C, p.Gln202His (NM_001243776.2); c.633A>C, p.Gln211His (NM_001243777.2); c.552A>C, p.Gln184His (NM_001363604.2); short protein forms Q184H, Q202H, Q211H.
Identifiers: ClinVar variation 4001016 (VCV004001016.1).